The following is an entry in ClinVar:

ClinVar aggregate classification (germline): Uncertain significance. Review status: criteria provided, multiple submitters, no conflicts (2 of 4 stars). 6 submissions from 6 submitters: Uncertain significance (6). Last evaluated 2025-10-11.

Conditions:
Inborn genetic diseases. Identifiers: MedGen C0950123, MeSH D030342.
ABCD syndrome (ABCDS). Identifiers: MedGen C1838099, MONDO:0010895, OMIM 600501.
Hirschsprung disease, susceptibility to, 2. Identifiers: Orphanet 388, MedGen C1838564, MONDO:0010833, OMIM 600155.
Waardenburg syndrome type 4A (WS4A). Also called: WAARDENBURG SYNDROME WITH HIRSCHSPRUNG DISEASE, TYPE 4A. Identifiers: Orphanet 897, MedGen C1848519, MONDO:0010192, OMIM 277580.

Allele frequency attached by ClinVar (database versions not stated): gnomAD exomes 0.00012 and 0.00014; ExAC 0.00013; 1000 Genomes Project 30x 0.00016; 1000 Genomes Project 0.00020; gnomAD 0.00020 and 0.00022; TOPMed 0.00023; ESP Exome Variant Server 0.00031.
gnomAD v4.1: 225 of 1,611,962 alleles (0.014%); highest among the groups gnomAD compares: African/African-American, 0.041%; no homozygotes.

Submissions (6):

Labcorp Genetics (formerly Invitae), Labcorp
Classification: Uncertain significance. Last evaluated: 2025-10-11. Review status: criteria provided, single submitter. Criteria: Invitae Variant Classification Sherloc (09022015). Collection method: clinical testing. Allele origin: germline.
Comment: This sequence change replaces glycine, which is neutral and non-polar, with arginine, which is basic and polar, at codon 429 of the EDNRB protein (p.Gly429Arg). This variant is present in population databases (rs144565124, gnomAD 0.05%). This variant has not been reported in the literature in individuals affected with EDNRB-related conditions. ClinVar contains an entry for this variant (Variation ID: 228662). An algorithm developed to predict the effect of missense changes on protein structure and function (PolyPhen-2) suggests that this variant is likely to be disruptive. Algorithms developed to predict the effect of sequence changes on RNA splicing suggest that this variant may disrupt the consensus splice site. In summary, the available evidence is currently insufficient to determine the role of this variant in disease. Therefore, it has been classified as a Variant of Uncertain Significance.

Ambry Genetics
Classification: Uncertain significance for Inborn genetic diseases. Last evaluated: 2025-07-15. Review status: criteria provided, single submitter. Criteria: Ambry Variant Classification Scheme 2023. Collection method: clinical testing. Allele origin: germline.

GeneDx
Classification: Uncertain significance. Last evaluated: 2025-03-28. Review status: criteria provided, single submitter. Criteria: GeneDx Variant Classification Process June 2021. Collection method: clinical testing. Allele origin: germline. Affected: yes.
Comment: In silico analysis indicates that this missense variant does not alter protein structure/function; Has not been previously published as pathogenic or benign to our knowledge

Fulgent Genetics
Classification: Uncertain significance for Waardenburg syndrome type 4A; Hirschsprung disease, susceptibility to, 2; ABCD syndrome. Last evaluated: 2022-03-08. Review status: criteria provided, single submitter. Criteria: ACMG Guidelines, 2015. Collection method: clinical testing. Allele origin: unknown.

Women's Health and Genetics/Laboratory Corporation of America, LabCorp
Classification: Uncertain significance. Last evaluated: 2019-01-23. Review status: criteria provided, single submitter. Criteria: LabCorp Variant Classification Summary - May 2015. Collection method: clinical testing. Allele origin: germline.
Comment: Variant summary: EDNRB c.1285G>A (p.Gly429Arg) results in a non-conservative amino acid change in the encoded protein sequence. Four of five in-silico tools predict a damaging effect of the variant on protein function. The variant allele was found at a frequency of 0.00014 in 275528 control chromosomes (gnomAD). To our knowledge, no occurrence of c.1285G>A in individuals affected with Waardenburg syndrome type 4A and no experimental evidence demonstrating its impact on protein function have been reported. Two clinical diagnostic laboratories have submitted clinical-significance assessments for this variant to ClinVar after 2014 without evidence for independent evaluation, and both laboratories classified the variant as uncertain significance. Based on the evidence outlined above, the variant was classified as uncertain significance.

Laboratory for Molecular Medicine, Mass General Brigham Personalized Medicine
Classification: Uncertain significance. Last evaluated: 2015-08-11. Review status: criteria provided, single submitter. Criteria: LMM Criteria. Collection method: clinical testing. Allele origin: germline. Observed: 1 variant allele.
Comment: The p.Gly519Arg variant in EDNRB has not been previously reported in individuals with hearing loss or Waardenburg syndrome, but has been identified in 6/65674 E uropean chromosomes by the Exome Aggregation Consortium (ExAC; dbSNP rs144565124). Although this variant has been seen in the ge neral population, its frequency is not high enough to rule out a pathogenic role . Computational prediction tools and conservation analyses do not provide strong support for or against an impact to the protein. In summary, the clinical signi ficance of the Gly519Arg variant is uncertain.

NM_001122659.3(EDNRB):c.1285G>A (p.Gly429Arg)

Genes: EDNRB (endothelin receptor type B; minus strand), EDNRB-AS1 (EDNRB antisense RNA 1; plus strand). Cytogenetic location: 13q22.3.
Variant type: single nucleotide variant.
Coding change: c.1285G>A on transcript NM_001122659.3 (MANE Select); coding-DNA position 1285, G replaced by A.
Protein change: p.Gly429Arg; replaces glycine 429 with arginine.
Molecular consequence: missense variant. On other transcripts: intron variant (1).
Genome position (GRCh38, 1-based): chr13:77,898,244, C>T on the plus strand (G>A on the coding strand, the complement: EDNRB is on the minus strand). VCF-style: chr13-77898244-C-T. GRCh37 (hg19) VCF-style: chr13-78472379-C-T.
Other names: c.1285G>A, p.Gly429Arg (NM_000115.5); c.1555G>A, p.Gly519Arg (NM_001201397.2); c.1194+1615G>A (NM_003991.4); short protein forms G429R, G519R.
Identifiers: ClinVar variation 228662 (VCV000228662.17), dbSNP rs144565124, ClinGen allele CA7012144.